The following is an entry in ClinVar:

ClinVar aggregate classification (germline): Uncertain significance (1 of 4 stars; one submission).

Submission:

GeneDx
Classification: Uncertain significance. Last evaluated: 2024-02-28. Review status: criteria provided, single submitter. Criteria: GeneDx Variant Classification Process June 2021. Collection method: clinical testing. Allele origin: germline. Affected: yes.
Comment: Not observed at significant frequency in large population cohorts (gnomAD); In silico analysis supports that this missense variant does not alter protein structure/function; Has not been previously published as pathogenic or benign to our knowledge

NM_001080477.4(TENM3):c.667C>T (p.Pro223Ser)

Gene: TENM3 (teneurin transmembrane protein 3; plus strand). Cytogenetic location: 4q35.1.
Variant type: single nucleotide variant.
Coding change: c.667C>T on transcript NM_001080477.4 (MANE Select); coding-DNA position 667, C replaced by T.
Protein change: p.Pro223Ser; replaces proline 223 with serine.
Molecular consequence: missense variant. On other transcripts: 5 prime UTR variant (5).
Genome position (GRCh38, 1-based): chr4:182,601,079, C>T. VCF-style: chr4-182601079-C-T. GRCh37 (hg19) VCF-style: chr4-183522232-C-T.
Other names: c.-150C>T (NM_001415960.1, NM_001415961.1, NM_001415962.1 and 2 more transcripts); c.388C>T, p.Pro130Ser (NM_001415966.1, NM_001415967.1, NM_001415976.1 and 1 more transcripts); c.667C>T, p.Pro223Ser (NM_001415968.1, NM_001415969.1, NM_001415970.1 and 4 more transcripts); short protein forms P130S, P223S.
Identifiers: ClinVar variation 3369639 (VCV003369639.1).